The following is an entry in ClinVar:

NM_000079.4(CHRNA1):c.562A>C (p.Ser188Arg)

Gene: CHRNA1 (cholinergic receptor nicotinic alpha 1 subunit; minus strand). Cytogenetic location: 2q31.1.
Variant type: single nucleotide variant.
Coding change: c.562A>C on transcript NM_000079.4 (MANE Select); coding-DNA position 562, A replaced by C.
Protein change: p.Ser188Arg; replaces serine 188 with arginine.
Molecular consequence: missense variant.
Genome position (GRCh38, 1-based): chr2:174,753,719, T>G on the plus strand (A>C on the coding strand, the complement: CHRNA1 is on the minus strand). VCF-style: chr2-174753719-T-G. GRCh37 (hg19) VCF-style: chr2-175618447-T-G.
Other names: c.637A>C, p.Ser213Arg (NM_001039523.3); short protein forms S188R, S213R.
Identifiers: ClinVar variation 953958 (VCV000953958.9), dbSNP rs1683909326, ClinGen allele CA349340453.
Genomic context (GRCh38, chr2:174,753,719, plus strand): 5'-CGGAGTGCTTCCAGCCCCGGGACTCCTTGATCACCCACTCCCCGCTCTCCATGAAGTTGC[T>G]CAGGTCTGGCTGGTCGCTTTCCTGAGAAAGGAAGTGAGGTTTGGAAATCCCAGGCAGGTC-3'
Protein context (NP_000070.1, residues 178-198): INPESDQPDL[Ser188Arg]NFMESGEWVI

ClinVar aggregate classification (germline): Uncertain significance (1 of 4 stars; one submission).

Conditions:
Lethal multiple pterygium syndrome (LMPS). Identifiers: Orphanet 33108, MedGen C1854678, MONDO:0009668, OMIM 253290.

Submission:

Labcorp Genetics (formerly Invitae), Labcorp
Classification: Uncertain significance for Lethal multiple pterygium syndrome. Last evaluated: 2022-07-25. Review status: criteria provided, single submitter. Criteria: Invitae Variant Classification Sherloc (09022015). Collection method: clinical testing. Allele origin: germline.
Comment: This sequence change replaces serine, which is neutral and polar, with arginine, which is basic and polar, at codon 188 of the CHRNA1 protein (p.Ser188Arg). In summary, the available evidence is currently insufficient to determine the role of this variant in disease. Therefore, it has been classified as a Variant of Uncertain Significance. Advanced modeling of protein sequence and biophysical properties (such as structural, functional, and spatial information, amino acid conservation, physicochemical variation, residue mobility, and thermodynamic stability) performed at Invitae indicates that this missense variant is not expected to disrupt CHRNA1 protein function. ClinVar contains an entry for this variant (Variation ID: 953958). This variant has not been reported in the literature in individuals affected with CHRNA1-related conditions. This variant is not present in population databases (gnomAD no frequency).